The following is an entry in ClinVar:

NM_020919.4(ALS2):c.272A>G (p.Gln91Arg)

Gene: ALS2 (alsin Rho guanine nucleotide exchange factor ALS2; minus strand). Cytogenetic location: 2q33.1.
Variant type: single nucleotide variant.
Coding change: c.272A>G on transcript NM_020919.4 (MANE Select); coding-DNA position 272, A replaced by G.
Protein change: p.Gln91Arg; replaces glutamine 91 with arginine.
Molecular consequence: missense variant.
Genome position (GRCh38, 1-based): chr2:201,761,722, T>C on the plus strand (A>G on the coding strand, the complement: ALS2 is on the minus strand). VCF-style: chr2-201761722-T-C. GRCh37 (hg19) VCF-style: chr2-202626445-T-C.
Other names: c.272A>G, p.Gln91Arg (NM_001135745.2); short protein forms Q91R.
Identifiers: ClinVar variation 1406269 (VCV001406269.9), dbSNP rs749141308, ClinGen allele CA2058679.

ClinVar aggregate classification (germline): Uncertain significance (1 of 4 stars; one submission).

Conditions:
Infantile-onset ascending hereditary spastic paralysis (IAHSP). Also called: Infantile-Onset Ascending Hereditary Spastic Paralysis (IAHSP); Autosomal Recessive Juvenile Amyotrophic Lateral Sclerosis. Identifiers: Orphanet 293168, MedGen C2931441, MONDO:0011797, OMIM 607225. Disease mechanism: loss of function.

Allele frequency attached by ClinVar (database versions not stated): gnomAD exomes below 0.00001; ExAC 0.00001; gnomAD 0.00001 and 0.00002; TOPMed 0.00002.
gnomAD v4.1: 3 of 1,614,036 alleles (0.00019%); highest among the groups gnomAD compares: African/African-American, 0.004%; no homozygotes.

Submission:

Labcorp Genetics (formerly Invitae), Labcorp
Classification: Uncertain significance for Infantile-onset ascending hereditary spastic paralysis. Last evaluated: 2022-08-23. Review status: criteria provided, single submitter. Criteria: Invitae Variant Classification Sherloc (09022015). Collection method: clinical testing. Allele origin: germline.
Comment: In summary, the available evidence is currently insufficient to determine the role of this variant in disease. Therefore, it has been classified as a Variant of Uncertain Significance. Algorithms developed to predict the effect of missense changes on protein structure and function (SIFT, PolyPhen-2, Align-GVGD) all suggest that this variant is likely to be tolerated. ClinVar contains an entry for this variant (Variation ID: 1406269). This variant has not been reported in the literature in individuals affected with ALS2-related conditions. This variant is present in population databases (rs749141308, gnomAD 0.007%). This sequence change replaces glutamine, which is neutral and polar, with arginine, which is basic and polar, at codon 91 of the ALS2 protein (p.Gln91Arg).